The following is an entry in ClinVar:

ClinVar aggregate classification (germline): Likely pathogenic (1 of 4 stars; one submission).

Conditions:
Gaucher disease. Also called: Acute cerebral Gaucher disease; Cerebroside lipidosis syndrome; Gaucher splenomegaly; Sphingolipidosis 1; Glucocerebrosidosis; Glucosylceramidase deficiency. Identifiers: Orphanet 355, MedGen C0017205, MONDO:0018150.

Submission:

Natera, Inc.
Classification: Likely pathogenic for Gaucher disease. Last evaluated: 2025-04-27. Review status: criteria provided, single submitter. Criteria: Natera Variant Classification Schema (03/2026). Collection method: clinical testing. Allele origin: germline.
Comment: The c.444C>A variant in GBA1 is a missense variant predicted to cause substitution of phenylalanine to leucine at amino acid 148. This variant is rare in the general population with a frequency below the threshold expected for the associated phenotype(s). This variant has been identified in one or more affected individuals with a phenotype highly consistent with the associated gene (PMID: 27865684). Functional studies show that this variant may disrupt protein function (PMID: 27865684). Computational prediction algorithms indicate this variant is likely to affect gene or protein function. Given the available evidence, this variant is classified as Likely Pathogenic.

Literature cited by the submitters: PubMed 27865684.

NM_000157.4(GBA1):c.444C>A (p.Phe148Leu)

Genes: GBA1 (glucosylceramidase beta 1; minus strand), LOC106627981 (GBA recombination region; plus strand). Cytogenetic location: 1q22.
Variant type: single nucleotide variant.
Coding change: c.444C>A on transcript NM_000157.4 (MANE Select); coding-DNA position 444, C replaced by A.
Protein change: p.Phe148Leu; replaces phenylalanine 148 with leucine.
Molecular consequence: missense variant. On other transcripts: intron variant (1).
Genome position (GRCh38, 1-based): chr1:155,239,626, G>T on the plus strand (C>A on the coding strand, the complement: GBA1 is on the minus strand). VCF-style: chr1-155239626-G-T. GRCh37 (hg19) VCF-style: chr1-155209417-G-T.
Other names: c.307+260C>A (NM_001171812.2); c.444C>A, p.Phe148Leu (NM_001005741.3, NM_001005742.3); c.183C>A, p.Phe61Leu (NM_001171811.2); short protein forms F148L, F61L.
Identifiers: ClinVar variation 4817762 (VCV004817762.1).